The following is an entry in ClinVar:

NM_000268.4(NF2):c.673C>T (p.Arg225Trp)

Gene: NF2 (NF2, moesin-ezrin-radixin like (MERLIN) tumor suppressor; plus strand). Cytogenetic location: 22q12.2.
Variant type: single nucleotide variant.
Coding change: c.673C>T on transcript NM_000268.4 (MANE Select); coding-DNA position 673, C replaced by T.
Protein change: p.Arg225Trp; replaces arginine 225 with tryptophan.
Molecular consequence: missense variant. On other transcripts: non-coding transcript variant (1), intron variant (1).
Genome position (GRCh38, 1-based): chr22:29,658,262, C>T. VCF-style: chr22-29658262-C-T. GRCh37 (hg19) VCF-style: chr22-30054251-C-T.
Other names: c.673C>T, p.Arg225Trp (NM_016418.5, NM_181825.3, NM_181832.3); c.547C>T, p.Arg183Trp (NM_181828.3); c.550C>T, p.Arg184Trp (NM_181829.3); c.424C>T, p.Arg142Trp (NM_181830.3, NM_181831.3); c.447+15977C>T (NM_181833.3); short protein forms R142W, R183W, R184W, R225W.
Identifiers: ClinVar variation 969242 (VCV000969242.16), dbSNP rs1386029079, ClinGen allele CA411143134.
Genomic context (GRCh38, chr22:29,658,262, plus strand): 5'-ATGGAATATCTGAAGATAGCTCAGGACCTGGAGATGTACGGTGTGAACTACTTTGCAATC[C>T]GGGTGTGTTGAAACCTCTCTGAGCTCCTTGTGTAGTAGACAGAGACTGAGTGAGGGCCAG-3'
Protein context (NP_000259.1, residues 215-235): EMYGVNYFAI[Arg225Trp]NKKGTELLLG

ClinVar aggregate classification (germline): Uncertain significance. Review status: criteria provided, multiple submitters, no conflicts (2 of 4 stars). 3 submissions from 3 submitters: Uncertain significance (3). Last evaluated 2025-09-19.

Conditions:
Hereditary cancer-predisposing syndrome. Also called: Tumor predisposition; Hereditary Cancer Syndrome; Neoplastic Syndromes, Hereditary; Hereditary neoplastic syndrome. Identifiers: Orphanet 140162, MedGen C0027672, MeSH D009386, MONDO:0015356.
Neurofibromatosis, type 2 (SWNV). Also called: BILATERAL ACOUSTIC NEUROFIBROMATOSIS; SCHWANNOMATOSIS, VESTIBULAR; NF2-Related Schwannomatosis. Identifiers: Orphanet 637, MedGen C0027832, MONDO:0007039, OMIM 101000. Disease mechanism: loss of function.

Allele frequency attached by ClinVar (database versions not stated): gnomAD exomes below 0.00001; gnomAD 0.00001; TOPMed 0.00001.
gnomAD v4.1: 4 of 1,613,838 alleles (0.00025%); highest among the groups gnomAD compares: Admixed American, 0.0017%; no homozygotes.

Submissions (3):

Labcorp Genetics (formerly Invitae), Labcorp
Classification: Uncertain significance for Neurofibromatosis, type 2. Last evaluated: 2025-09-19. Review status: criteria provided, single submitter. Criteria: Invitae Variant Classification Sherloc (09022015). Collection method: clinical testing. Allele origin: germline.
Comment: This sequence change replaces arginine, which is basic and polar, with tryptophan, which is neutral and slightly polar, at codon 225 of the NF2 protein (p.Arg225Trp). This variant is not present in population databases (gnomAD no frequency). This variant has not been reported in the literature in individuals affected with NF2-related conditions. ClinVar contains an entry for this variant (Variation ID: 969242). An algorithm developed to predict the effect of missense changes on protein structure and function (PolyPhen-2) suggests that this variant is likely to be disruptive. In summary, the available evidence is currently insufficient to determine the role of this variant in disease. Therefore, it has been classified as a Variant of Uncertain Significance.

Ambry Genetics
Classification: Uncertain significance for Hereditary cancer-predisposing syndrome. Last evaluated: 2025-03-16. Review status: criteria provided, single submitter. Criteria: Ambry Variant Classification Scheme 2023. Collection method: clinical testing. Allele origin: germline.
Comment: The p.R225W variant (also known as c.673C>T), located in coding exon 7 of the NF2 gene, results from a C to T substitution at nucleotide position 673. The arginine at codon 225 is replaced by tryptophan, an amino acid with dissimilar properties. This amino acid position is conserved. In addition, the in silico prediction for this alteration is inconclusive. Since supporting evidence is limited at this time, the clinical significance of this alteration remains unclear.

Revvity Omics, Revvity
Classification: Uncertain significance for Neurofibromatosis, type 2. Last evaluated: 2022-02-21. Review status: criteria provided, single submitter. Criteria: ACMG Guidelines, 2015. Collection method: clinical testing. Allele origin: germline.